The following is an entry in ClinVar:

ClinVar aggregate classification (germline): Uncertain significance. Review status: criteria provided, multiple submitters, no conflicts (2 of 4 stars). 2 submissions from 2 submitters: Uncertain significance (2). Last evaluated 2025-08-07.

Conditions:
MHC class II deficiency. Also called: BLS, TYPE II; Bare lymphocyte syndrome 2. Identifiers: Orphanet 572, MedGen C5447452, MONDO:0008855.
Inborn genetic diseases. Identifiers: MedGen C0950123, MeSH D030342.

gnomAD v4.1: 4 of 1,539,930 alleles (0.00026%); highest among the groups gnomAD compares: Non-Finnish European, 0.00035%; no homozygotes.

Submissions (2):

Ambry Genetics
Classification: Uncertain significance for Inborn genetic diseases. Last evaluated: 2025-08-07. Review status: criteria provided, single submitter. Criteria: Ambry Variant Classification Scheme 2023. Collection method: clinical testing. Allele origin: germline.

Labcorp Genetics (formerly Invitae), Labcorp
Classification: Uncertain significance for MHC class II deficiency. Last evaluated: 2021-12-12. Review status: criteria provided, single submitter. Criteria: Invitae Variant Classification Sherloc (09022015). Collection method: clinical testing. Allele origin: germline.
Comment: This sequence change replaces arginine, which is basic and polar, with tryptophan, which is neutral and slightly polar, at codon 1126 of the CIITA protein (p.Arg1126Trp). This variant is not present in population databases (gnomAD no frequency). This variant has not been reported in the literature in individuals affected with CIITA-related conditions. Algorithms developed to predict the effect of missense changes on protein structure and function are either unavailable or do not agree on the potential impact of this missense change (SIFT: "Deleterious"; PolyPhen-2: "Probably Damaging"; Align-GVGD: "Class C0"). In summary, the available evidence is currently insufficient to determine the role of this variant in disease. Therefore, it has been classified as a Variant of Uncertain Significance.

NM_000246.4(CIITA):c.3376C>T (p.Arg1126Trp)

Gene: CIITA (class II major histocompatibility complex transactivator; plus strand). Cytogenetic location: 16p13.13.
Variant type: single nucleotide variant.
Coding change: c.3376C>T on transcript NM_000246.4 (MANE Select); coding-DNA position 3376, C replaced by T.
Protein change: p.Arg1126Trp; replaces arginine 1126 with tryptophan.
Molecular consequence: missense variant. On other transcripts: non-coding transcript variant (1).
Genome position (GRCh38, 1-based): chr16:10,923,286, C>T. VCF-style: chr16-10923286-C-T. GRCh37 (hg19) VCF-style: chr16-11017143-C-T.
Other names: c.3376C>T (NM_000246.3); c.3379C>T, p.Arg1127Trp (NM_001286402.1, NM_001379332.1); c.1624C>T, p.Arg542Trp (NM_001286403.2); c.3232C>T, p.Arg1078Trp (NM_001379330.1); c.3229C>T, p.Arg1077Trp (NM_001379331.1); c.3376C>T, p.Arg1126Trp (NM_001379333.1); c.3307C>T, p.Arg1103Trp (NM_001379334.1); short protein forms R1103W, R1127W, R1078W, R1126W, R542W, R1077W.
Identifiers: ClinVar variation 1422681 (VCV001422681.4), dbSNP rs753124646, ClinGen allele CA394724693.
Genomic context (GRCh38, chr16:10,923,286, plus strand): 5'-AGGATGTGGACGCCCACCATCCCATTCAGTGTCCAGGAACACCTGCAACAACAGGATTCA[C>T]GGATCAGCCTGAGATGATCCCAGCTGTGCTCTGGACAGGGTAACCAGGGTGGGCTTGGGA-3'
Protein context (NP_000237.2, residues 1116-1130): VQEHLQQQDS[Arg1126Trp]ISLR